The following is an entry in ClinVar:

NM_000424.4(KRT5):c.1409dup (p.Tyr470Ter)

Genes: KRT5 (keratin 5; minus strand), LOC126861525 (BRD4-independent group 4 enhancer GRCh37_chr12:52909857-52911056; plus strand). Cytogenetic location: 12q13.13.
Variant type: Duplication.
Coding change: c.1409dup on transcript NM_000424.4 (MANE Select); coding-DNA position 1409, one base duplicated (A; older notation c.1409dupA).
Protein change: p.Tyr470Ter; replaces tyrosine 470 with a stop codon.
Molecular consequence: nonsense.
Genome position (GRCh38, 1-based): chr12:52,516,667, T duplicated on the plus strand (A on the coding strand, the reverse complement: KRT5 is on the minus strand). VCF-style (leftmost placement, unchanged base first): chr12-52516666-G-GT. GRCh37 (hg19) VCF-style: chr12-52910450-G-GT.
Other names: short protein forms Y470*.
Identifiers: ClinVar variation 816993 (VCV000816993.1), dbSNP rs1592193619, ClinGen allele CA915948416.
Genomic context (GRCh38, chr12:52,516,666, plus strand): 5'-AGGCCATCTTGAGTTCATGCTGTCTACTCACCTGCATTCCTCGCCCTCCAGCAGCTTGCG[G>GT]TAAGTGGCGATCTCCACGTCCAGGGCCAGCTTGGTGTTCATGAGCTCCTGGTACTCACGC-3'

ClinVar aggregate classification (germline): Pathogenic (1 of 4 stars; one submission).

Submission:

GeneDx
Classification: Pathogenic. Last evaluated: 2016-12-13. Review status: criteria provided, single submitter. Criteria: GeneDx Variant Classification (06012015). Collection method: clinical testing. Allele origin: germline. Affected: yes.
Comment: The c.1409dupA pathogenic variant in the KRT5 gene causes a premature Stop codon at position 470, denoted p.Tyr470Stop. This variant is predicted to cause loss of normal protein function either through protein truncation or nonsense-mediated mRNA decay. Another protein truncating variant, at a nearby codon (K472X), has been published in association with Epidermolysis Bullosa Simplex (EBS) (Livingston et al., 2001). Therefore, although this pathogenic variant has not been previously reported to our knowledge, its presence is consistent with a diagnosis of EBS..